The following is an entry in ClinVar:

ClinVar aggregate classification (germline): Benign (1 of 4 stars; one submission).

Allele frequency attached by ClinVar (database versions not stated): TOPMed 0.42949; gnomAD 0.43847 and 0.44552; 1000 Genomes Project 30x 0.44909; 1000 Genomes Project 0.45927.
gnomAD v4.1: 67,914 of 152,062 alleles (45%); highest among the groups gnomAD compares: East Asian, 81%; 16,883 homozygotes.

Submission:

GeneDx
Classification: Benign. Last evaluated: 2018-06-14. Review status: criteria provided, single submitter. Criteria: GeneDx Variant Classification (06012015). Collection method: clinical testing. Allele origin: germline. Affected: yes.
Comment: This variant is considered likely benign or benign based on one or more of the following criteria: it is a conservative change, it occurs at a poorly conserved position in the protein, it is predicted to be benign by multiple in silico algorithms, and/or has population frequency not consistent with disease.

NM_020408.6(LYRM4):c.208-34464A>G

Genes: LYRM4 (LYR motif containing 4; minus strand), LYRM4-AS1 (LYRM4 antisense RNA 1; plus strand). Cytogenetic location: 6p25.1.
Variant type: single nucleotide variant.
Coding change: c.208-34464A>G on transcript NM_020408.6 (MANE Select); 34464 bases into the intron before coding-DNA position 208, A replaced by G.
Molecular consequence: intron variant.
Genome position (GRCh38, 1-based): chr6:5,143,955, T>C on the plus strand (A>G on the coding strand, the complement: LYRM4 is on the minus strand). VCF-style: chr6-5143955-T-C. GRCh37 (hg19) VCF-style: chr6-5144189-T-C.
Other names: c.207+72663A>G (NM_001318783.1); c.*41+183A>G (NM_001164841.3); c.208-5216A>G (NM_001318782.1).
Identifiers: ClinVar variation 680628 (VCV000680628.1), dbSNP rs445204, ClinGen allele CA15456556.